The following is an entry in ClinVar:

ClinVar aggregate classification (germline): Pathogenic. Review status: criteria provided, multiple submitters, no conflicts (2 of 4 stars). 3 submissions from 3 submitters: Pathogenic (3). Last evaluated 2024-05-01.

Conditions:
Hereditary cancer-predisposing syndrome. Also called: Neoplastic Syndromes, Hereditary; Tumor predisposition; Hereditary Cancer Syndrome; Hereditary neoplastic syndrome. Identifiers: Orphanet 140162, MedGen C0027672, MeSH D009386, MONDO:0015356.
Lynch syndrome 5 (LYNCH5). Also called: Hereditary non-polyposis colorectal cancer, type 5; Colorectal cancer, hereditary nonpolyposis, type 5. Identifiers: Orphanet 144, MedGen C1833477, MONDO:0013710, OMIM 614350. Disease mechanism: loss of function.

Submissions (3):

Ambry Genetics
Classification: Pathogenic for Hereditary cancer-predisposing syndrome. Last evaluated: 2024-05-01. Review status: criteria provided, single submitter. Criteria: Ambry Variant Classification Scheme 2023. Collection method: clinical testing. Allele origin: germline.
Comment: The c.123_124delTC pathogenic mutation, located in coding exon 1 of the MSH6 gene, results from a deletion of two nucleotides at nucleotide positions 123 to 124, causing a translational frameshift with a predicted alternate stop codon (p.P42Ffs*47). This alteration is expected to result in loss of function by premature protein truncation or nonsense-mediated mRNA decay. As such, this alteration is interpreted as a disease-causing mutation.

Color Diagnostics, LLC DBA Color Health
Classification: Pathogenic for Hereditary cancer-predisposing syndrome. Last evaluated: 2024-03-04. Review status: criteria provided, single submitter. Criteria: ACMG Guidelines, 2015. Collection method: clinical testing. Allele origin: germline.
Comment: This variant deletes 2 nucleotides in exon 1 of the MSH6 gene, creating a frameshift and premature translation stop signal. This variant is expected to result in an absent or non-functional protein product. To our knowledge, this variant has not been reported in individuals affected with MSH6-related disorders in the literature. This variant has not been identified in the general population by the Genome Aggregation Database (gnomAD). Loss of MSH6 function is a known mechanism of disease. Based on the available evidence, this variant is classified as Pathogenic.

Myriad Genetics, Inc.
Classification: Pathogenic for Lynch syndrome 5. Last evaluated: 2023-08-09. Review status: criteria provided, single submitter. Criteria: Myriad Autosomal Dominant, Autosomal Recessive and X-Linked Classification Criteria (2023). Collection method: clinical testing. Allele origin: unknown.
Comment: This variant is considered pathogenic. This variant creates a frameshift predicted to result in premature protein truncation.

NM_000179.3(MSH6):c.123_124del (p.Pro42fs)

Gene: MSH6 (mutS homolog 6; plus strand). Cytogenetic location: 2p16.3.
Variant type: Microsatellite.
Coding change: c.123_124del on transcript NM_000179.3 (MANE Select); coding-DNA positions 123 to 124, 2 bases deleted (TC; older notation c.123_124delTC).
Protein change: p.Pro42fs; shifts the reading frame from proline 42.
Molecular consequence: frameshift variant. On other transcripts: 5 prime UTR variant (1).
Genome position (GRCh38, 1-based): chr2:47,783,356-47,783,357, TC deleted; deleting any 2 consecutive bases within chr2:47,783,353-47,783,357 gives the same sequence; the c. name uses the placement nearest the transcript's 3' end. VCF-style (leftmost placement, unchanged base first): chr2-47783352-CCT-C. GRCh37 (hg19) VCF-style: chr2-48010491-CCT-C.
Other names: c.121_122TC[1], p.Pro42Phefs (NM_000179.2, NM_001406795.1, NM_001406796.1 and 9 more transcripts); c.123_124del, p.Pro42fs (NM_001281492.2); c.-616TC[1] (NM_001281493.2); c.-208_-207TC[1] (NM_001406799.1); c.66_67TC[1], p.Leu23Profs (NM_001406804.1); c.-808_-807TC[1] (NM_001406807.1); c.-616_-615TC[1] (NM_001406811.1); c.-463_-462TC[1] (NM_001406812.1); and 3 more; short protein forms P42fs.
Identifiers: ClinVar variation 1755298 (VCV001755298.5), dbSNP rs2530317763, ClinGen allele CA2580611281.